The following is an entry in ClinVar:

NM_001165963.4(SCN1A):c.474_602del (p.Thr160_Tyr202del)

Gene: SCN1A (sodium voltage-gated channel alpha subunit 1; minus strand). Cytogenetic location: 2q24.3.
Variant type: Deletion.
Coding change: c.474_602del on transcript NM_001165963.4 (MANE Select); coding-DNA positions 474 to 602, 129 bases deleted.
Protein change: p.Thr160_Tyr202del.
Molecular consequence: inframe deletion. On other transcripts: 5 prime UTR variant (1), non-coding transcript variant (1).
Genome position (GRCh38, 1-based): chr2:166,054,638-166,054,766, 129 bases deleted. GRCh37 (hg19): chr2:166,911,148-166,911,276.
Other names: c.474_602del, p.Thr160_Tyr202del (NM_001165964.3, NM_001202435.3, NM_001353948.2 and 10 more transcripts); c.-1952_-1824del (NM_001353961.2).
Identifiers: ClinVar variation 189875 (VCV000189875.1), dbSNP rs1553551314, ClinGen allele CA303178.

ClinVar aggregate classification (germline): Pathogenic (1 of 4 stars; one submission).

Conditions:
Severe myoclonic epilepsy in infancy (DRVT). Also called: Epileptic encephalopathy, early infantile, 6 (Dravet syndrome); SEVERE MYOCLONIC EPILEPSY OF INFANCY; DEVELOPMENTAL AND EPILEPTIC ENCEPHALOPATHY 6A; Severe Myoclonic Epilepsy in Infancy (SMEI); Dravet syndrome. Identifiers: Orphanet 33069, MedGen C0751122, MONDO:0100135, OMIM 607208.

Submission:

Center for Bioinformatics, Peking University
Classification: Pathogenic for Dravet syndrome. Last evaluated: 2014-12-20. Review status: criteria provided, single submitter. Criteria: Xu et al. (Hum Mutat. 2015). Collection method: research. Allele origin: de novo. Affected: yes. Observed: 1 variant allele. Study: University Clinical Cooperation “985 Project” PKU-2014-1-1.
Comment: Dravet syndrome (DS) probands were recruited from the outpatient and inpatient child neurology units of Peking University First Hospital from 2005 till present. The study was approved by the Ethics Committee of Peking University First Hospital and the Institutional Review Board at Peking University. Participants or their parents provided written informed consent before enrollment. We collected a total of 267 mutations from 255 families with probands diagnosed with DS in China. All probands fulfilled the clinical diagnostic criteria.